The following is an entry in ClinVar:

NM_001143809.2(BDNF):c.35G>C (p.Arg12Pro)

Gene: BDNF (brain derived neurotrophic factor; minus strand). Cytogenetic location: 11p14.1.
Variant type: single nucleotide variant.
Coding change: c.35G>C on transcript NM_001143809.2; coding-DNA position 35, G replaced by C.
Protein change: p.Arg12Pro; replaces arginine 12 with proline.
Molecular consequence: missense variant. On other transcripts: intron variant (6), 5 prime UTR variant (3).
Genome position (GRCh38, 1-based): chr11:27,701,002, C>G on the plus strand (G>C on the coding strand, the complement: BDNF is on the minus strand). VCF-style: chr11-27701002-C-G. GRCh37 (hg19) VCF-style: chr11-27722549-C-G.
Other names: c.-22+19642G>C (NM_001143805.1); c.-22+19427G>C (NM_001143806.1); c.-22+19344G>C (NM_170732.4); c.-22+18509G>C (NM_001143807.2); c.-22+295G>C (NM_170733.4); c.-43G>C (NM_001143808.2); c.-90G>C (NM_001143810.2); c.-453G>C (NM_001143811.2); and 1 more; short protein forms R12P.
Identifiers: ClinVar variation 4989460 (VCV004989460.1).
Genomic context (GRCh38, chr11:27,701,002, plus strand): 5'-GGCGTGCGTTTCCCGGGCCACAGACACACCTTCCCGCACCTTCCTGCACTACGGAGCTTG[C>G]GAACGCGAGCACACAATGAAATCGCACAGAGCATGGGGGCTATTGGTTTACTCTGCTGCC-3'

ClinVar aggregate classification (germline): Uncertain significance (1 of 4 stars; one submission).

Conditions:
BDNF-related disorder. Also called: BDNF-related condition.

gnomAD v4.1: 8 of 1,361,486 alleles (0.00059%); highest among the groups gnomAD compares: East Asian, 0.023%; no homozygotes.

Submission:

PreventionGenetics, part of Exact Sciences
Classification: Uncertain significance for BDNF-related condition. Last evaluated: 2025-08-29. Review status: criteria provided, single submitter. Criteria: ACMG Guidelines, 2015. Collection method: clinical testing. Allele origin: germline.
Comment: The BDNF c.35G>C variant is predicted to result in the amino acid substitution p.Arg12Pro. To our knowledge, this variant has not been reported in the literature. This variant is reported in 0.017% of alleles in individuals of East Asian descent in gnomAD. At this time, the clinical significance of this variant is uncertain due to the absence of conclusive functional and genetic evidence.